The following is an entry in ClinVar:

NM_001166108.2(PALLD):c.2116G>A (p.Glu706Lys)

Genes: CBR4 (carbonyl reductase 4; minus strand), PALLD (palladin, cytoskeletal associated protein; plus strand). Cytogenetic location: 4q32.3.
Variant type: single nucleotide variant.
Coding change: c.2116G>A on transcript NM_001166108.2 (MANE Select); coding-DNA position 2116, G replaced by A.
Protein change: p.Glu706Lys; replaces glutamic acid 706 with lysine.
Molecular consequence: missense variant. On other transcripts: 5 prime UTR variant (4).
Genome position (GRCh38, 1-based): chr4:168,894,594, G>A. VCF-style: chr4-168894594-G-A. GRCh37 (hg19) VCF-style: chr4-169815745-G-A.
Other names: c.970G>A, p.Glu324Lys (NM_001166109.2); c.655G>A, p.Glu219Lys (NM_001166110.2); c.-6G>A (NM_001367567.1, NM_001367568.1, NM_001367569.1 and 1 more transcripts); c.2116G>A, p.Glu706Lys (NM_016081.4); short protein forms E706K, E324K, E219K.
Identifiers: ClinVar variation 1786180 (VCV001786180.3), dbSNP rs1241348619, ClinGen allele CA358797577.

ClinVar aggregate classification (germline): Uncertain significance (1 of 4 stars; one submission).

Allele frequency attached by ClinVar (database versions not stated): TOPMed below 0.00001; gnomAD exomes 0.00002.
gnomAD v4.1: 17 of 1,613,070 alleles (0.0011%); highest among the groups gnomAD compares: Non-Finnish European, 0.0014%; no homozygotes.

Submission:

Ambry Genetics
Classification: Uncertain significance. Last evaluated: 2024-05-14. Review status: criteria provided, single submitter. Criteria: Ambry Variant Classification Scheme 2023. Collection method: clinical testing. Allele origin: germline.
Comment: The p.E706K variant (also known as c.2116G>A), located in coding exon 11 of the PALLD gene, results from a G to A substitution at nucleotide position 2116. The glutamic acid at codon 706 is replaced by lysine, an amino acid with similar properties. This amino acid position is conserved. In addition, this alteration is predicted to be deleterious by in silico analysis. Since supporting evidence is limited at this time, the clinical significance of this alteration remains unclear.